The following is an entry in ClinVar:

NM_000540.3(RYR1):c.13289G>A (p.Gly4430Glu)

Genes: RYR1 (ryanodine receptor 1; plus strand), LOC130064357 (ATAC-STARR-seq lymphoblastoid silent region 10577; plus strand). Cytogenetic location: 19q13.2.
Variant type: single nucleotide variant.
Coding change: c.13289G>A on transcript NM_000540.3 (MANE Select); coding-DNA position 13289, G replaced by A.
Protein change: p.Gly4430Glu; replaces glycine 4430 with glutamic acid.
Molecular consequence: missense variant.
Genome position (GRCh38, 1-based): chr19:38,565,623, G>A. VCF-style: chr19-38565623-G-A. GRCh37 (hg19) VCF-style: chr19-39056263-G-A.
Other names: c.13274G>A, p.Gly4425Glu (NM_001042723.2); short protein forms G4430E, G4425E.
Identifiers: ClinVar variation 854945 (VCV000854945.10), dbSNP rs1973378919, ClinGen allele CA405674799.

ClinVar aggregate classification (germline): Uncertain significance (1 of 4 stars; one submission).

Conditions:
RYR1-related disorder. Also called: RYR1-related disorders; RYR1-related condition. Identifiers: MedGen CN239331.

Allele frequency attached by ClinVar (database versions not stated): gnomAD exomes below 0.00001.
gnomAD v4.1: 1 of 1,412,068 alleles (0.000071%); highest among the groups gnomAD compares: Non-Finnish European, 0.000091%; no homozygotes.

Submission:

Labcorp Genetics (formerly Invitae), Labcorp
Classification: Uncertain significance for RYR1-related disorder. Last evaluated: 2019-04-23. Review status: criteria provided, single submitter. Criteria: Invitae Variant Classification Sherloc (09022015). Collection method: clinical testing. Allele origin: germline.
Comment: This missense change is located in a region of the RYR1 protein where a significant number of previously reported RYR1 missense mutations are found (PMID: 16084090). These observations suggest that a previously unreported missense substitution within this region may affect protein function, but experiments have not been done to test this possibility. This sequence change replaces glycine with glutamic acid at codon 4430 of the RYR1 protein (p.Gly4430Glu). The glycine residue is moderately conserved and there is a moderate physicochemical difference between glycine and glutamic acid. The frequency data for this variant in the population databases is considered unreliable, as metrics indicate insufficient coverage at this position in the ExAC database. This variant has not been reported in the literature in individuals with RYR1-related conditions. In summary, the available evidence is currently insufficient to determine the role of this variant in disease. Therefore, it has been classified as a Variant of Uncertain Significance.

Literature cited by the submitters: PubMed 16084090.